The following is an entry in ClinVar:

NM_000722.4(CACNA2D1):c.2714G>A (p.Arg905His)

Gene: CACNA2D1 (calcium voltage-gated channel auxiliary subunit alpha2delta 1; minus strand). Cytogenetic location: 7q21.11.
Variant type: single nucleotide variant.
Coding change: c.2714G>A on transcript NM_000722.4 (MANE Select); coding-DNA position 2714, G replaced by A.
Protein change: p.Arg905His; replaces arginine 905 with histidine.
Molecular consequence: missense variant.
Genome position (GRCh38, 1-based): chr7:81,964,220, C>T on the plus strand (G>A on the coding strand, the complement: CACNA2D1 is on the minus strand). VCF-style: chr7-81964220-C-T. GRCh37 (hg19) VCF-style: chr7-81593536-C-T.
Other names: c.2750G>A, p.Arg917His (NM_001366867.1); short protein forms R917H, R905H.
Identifiers: ClinVar variation 1795102 (VCV001795102.2), dbSNP rs1013862654, ClinGen allele CA161121745.

ClinVar aggregate classification (germline): Uncertain significance (1 of 4 stars; one submission).

Conditions:
Cardiovascular phenotype. Identifiers: MedGen CN230736.

Allele frequency attached by ClinVar (database versions not stated): gnomAD 0.00001; TOPMed 0.00001.
gnomAD v4.1: 10 of 1,612,662 alleles (0.00062%); highest among the groups gnomAD compares: South Asian, 0.0033%; no homozygotes.

Submission:

Ambry Genetics
Classification: Uncertain significance for Cardiovascular phenotype. Last evaluated: 2021-07-18. Review status: criteria provided, single submitter. Criteria: Ambry Variant Classification Scheme 2023. Collection method: clinical testing. Allele origin: germline.
Comment: The p.R905H variant (also known as c.2714G>A), located in coding exon 33 of the CACNA2D1 gene, results from a G to A substitution at nucleotide position 2714. The arginine at codon 905 is replaced by histidine, an amino acid with highly similar properties. This amino acid position is conserved. In addition, this alteration is predicted to be deleterious by in silico analysis. Since supporting evidence is limited at this time, the clinical significance of this alteration remains unclear.